The following is an entry in ClinVar:

ClinVar aggregate classification (germline): Pathogenic (1 of 4 stars; one submission).

Conditions:
Infantile liver failure. Also called: Infantile liver failure syndrome; Fever-associated acute infantile liver failure syndrome. Identifiers: Orphanet 464724, MedGen C5681094, MONDO:0000023.

Submission:

Excellence Center for Genomics and Precision Medicine, King Chulalongkorn Memorial Hospital
Classification: Pathogenic for Infantile liver failure. Last evaluated: 2024-10-01. Review status: criteria provided, single submitter. Criteria: ACMG Guidelines, 2015. Collection method: clinical testing. Allele origin: germline. Inheritance: Autosomal recessive inheritance. Affected: yes. Observed: 1 compound heterozygote.
Comment: PVS1: Null variant in a gene where loss of function is a known mechanism of disease PM3: For recessive disorders, detected in trans with a pathogenic variant (NM_015909.4(NBAS):c.3596G>A p.(Cys1199Tyr)) in this patient (1 point) PM2_Supporting: Absent from gnomAD population databases

NM_015909.4(NBAS):c.3543C>A (p.Tyr1181Ter)

Gene: NBAS (NBAS subunit of NRZ tethering complex; minus strand). Cytogenetic location: 2p24.3.
Variant type: single nucleotide variant.
Coding change: c.3543C>A on transcript NM_015909.4 (MANE Select); coding-DNA position 3543, C replaced by A.
Protein change: p.Tyr1181Ter; replaces tyrosine 1181 with a stop codon.
Molecular consequence: nonsense. On other transcripts: non-coding transcript variant (1).
Genome position (GRCh38, 1-based): chr2:15,379,649, G>T on the plus strand (C>A on the coding strand, the complement: NBAS is on the minus strand). VCF-style: chr2-15379649-G-T. GRCh37 (hg19) VCF-style: chr2-15519773-G-T.
Other names: short protein forms Y1181*.
Identifiers: ClinVar variation 3384189 (VCV003384189.2).
Genomic context (GRCh38, chr2:15,379,649, plus strand): 5'-AGAGTTATTCTACCTGGCTAGATCCATGCAGCTATCAGTGAGGTTGGTAGAAGAATTGAA[G>T]TACTCTCTGCTGGCAGCCAAAACCAAGTCAATACTCTTTTCGTAGCTGACCCTGTAGTGG-3'